The following is an entry in ClinVar:

NM_001366385.1(CARD14):c.467T>C (p.Leu156Pro)

Gene: CARD14 (caspase recruitment domain family member 14; plus strand). Cytogenetic location: 17q25.3.
Variant type: single nucleotide variant.
Coding change: c.467T>C on transcript NM_001366385.1 (MANE Select); coding-DNA position 467, T replaced by C.
Protein change: p.Leu156Pro; replaces leucine 156 with proline.
Molecular consequence: missense variant. On other transcripts: non-coding transcript variant (1).
Genome position (GRCh38, 1-based): chr17:80,184,030, T>C. VCF-style: chr17-80184030-T-C. GRCh37 (hg19) VCF-style: chr17-78157829-T-C.
Other names: c.467T>C, p.Leu156Pro (NM_024110.4, NM_001257970.1); short protein forms L156P.
Identifiers: ClinVar variation 35573 (VCV000035573.13), dbSNP rs387907240, ClinGen allele CA129956.

ClinVar aggregate classification (germline): Pathogenic/Likely pathogenic. Review status: criteria provided, multiple submitters, no conflicts (2 of 4 stars). 4 submissions from 4 submitters: Pathogenic (1); Likely pathogenic (1). 2 of the submissions do not count toward it. Last evaluated 2025-02-28.

Conditions:
Papulosquamous eruptions.
Pityriasis rubra pilaris (PRP). Also called: Pityriasis rubra pilaris--familial type. Identifiers: Orphanet 2897, MedGen C0032027, MONDO:0100017, OMIM 173200, MONDO:0008251.
Psoriasis 2. Identifiers: MedGen C1864497, MONDO:0011269, OMIM 602723.

Submissions (4):

GeneDx
Classification: Likely pathogenic. Last evaluated: 2025-02-28. Review status: criteria provided, single submitter. Criteria: GeneDx Variant Classification Process June 2021. Collection method: clinical testing. Allele origin: germline. Affected: yes.
Comment: Not observed at significant frequency in large population cohorts (gnomAD); In silico analysis supports that this missense variant has a deleterious effect on protein structure/function; Published functional studies suggest this variant results in increased NF-kB activation, however additional studies are needed to validate the functional effect of this variant in vivo (PMID: 26203641, 25734815); This variant is associated with the following publications: (PMID: 30319628, 36174714, 28421071, 24577624, 26203641, 25734815, 35262907, 38375322, 36699196, 26130407, 36012602, 29477734, 22703878, 30386326, 32958760)

Labcorp Genetics (formerly Invitae), Labcorp
Classification: Pathogenic for Pityriasis rubra pilaris; Psoriasis 2. Last evaluated: 2021-06-03. Review status: criteria provided, single submitter. Criteria: Invitae Variant Classification Sherloc (09022015). Collection method: clinical testing. Allele origin: germline.
Comment: This sequence change replaces leucine with proline at codon 156 of the CARD14 protein (p.Leu156Pro). The leucine residue is highly conserved and there is a moderate physicochemical difference between leucine and proline. This variant is not present in population databases (ExAC no frequency). This variant has been observed in individual(s) with CARD14-related conditions (PMID: 22703878, 29477734). It has also been observed to segregate with disease in related individuals. ClinVar contains an entry for this variant (Variation ID: 35573). Experimental studies have shown that this variant affects CARD14 protein function (PMID: 25734815, 26203641). For these reasons, this variant has been classified as Pathogenic.

Yale Center for Mendelian Genomics, Yale University
Classification: Pathogenic for Papulosquamous eruptions. Last evaluated: 2018-03-01. Review status: no assertion criteria provided. Collection method: literature only. Allele origin: germline. Affected: yes. Observed: 1 heterozygote. Not counted in ClinVar's aggregate classification.

OMIM
Classification: Pathogenic for PITYRIASIS RUBRA PILARIS. Last evaluated: 2012-07-13. Review status: no assertion criteria provided. Collection method: literature only. Allele origin: germline. Not counted in ClinVar's aggregate classification.

Literature cited by the submitters: PubMed 22703878 (cited by Labcorp Genetics (formerly Invitae), Labcorp and OMIM); PubMed 29477734 (cited by Labcorp Genetics (formerly Invitae), Labcorp and Yale Center for Mendelian Genomics, Yale University); PubMed 25734815 (cited by Labcorp Genetics (formerly Invitae), Labcorp); PubMed 26203641 (cited by Labcorp Genetics (formerly Invitae), Labcorp).